The following is an entry in ClinVar:

NM_004629.2(FANCG):c.434del (p.Leu145fs)

Gene: FANCG (FA complementation group G; minus strand). Cytogenetic location: 9p13.3.
Variant type: Deletion.
Coding change: c.434del on transcript NM_004629.2 (MANE Select); coding-DNA position 434, one base deleted (T; older notation c.434delT).
Protein change: p.Leu145fs; shifts the reading frame from leucine 145.
Molecular consequence: frameshift variant.
Genome position (GRCh38, 1-based): chr9:35,078,217, A deleted on the plus strand (T on the coding strand, the reverse complement: FANCG is on the minus strand). VCF-style (leftmost placement, unchanged base first): chr9-35078216-CA-C. GRCh37 (hg19) VCF-style: chr9-35078213-CA-C.
Other names: c.434delT, p.Leu145Argfs (NM_004629.1); short protein forms L145fs.
Identifiers: ClinVar variation 4068053 (VCV004068053.2).

ClinVar aggregate classification (germline): Likely pathogenic (1 of 4 stars; one submission).

Conditions:
Fanconi anemia complementation group G. Also called: Fanconi anemia group G; FANCG-Related Fanconi Anemia. Identifiers: Orphanet 84, MedGen C3469527, MONDO:0013565, OMIM 614082.

Submission:

Natera, Inc.
Classification: Likely pathogenic for Fanconi anemia group G. Last evaluated: 2025-04-05. Review status: criteria provided, single submitter. Criteria: Natera Variant Classification Schema (03/2026). Collection method: clinical testing. Allele origin: germline.
Comment: The c.434del variant in FANCG is a frameshift variant predicted to shift the reading frame beginning at codon 145 and leads to a stop codon 7 codons downstream. This variant is expected to result in nonsense mediated decay, truncation, or a dysfunctional protein product. This variant is rare in the general population with a frequency below the threshold expected for the associated phenotype(s). Given the available evidence, this variant is classified as Likely Pathogenic.